The following is an entry in ClinVar:

ClinVar aggregate classification (germline): Uncertain significance (1 of 4 stars; one submission).

Conditions:
Immunodeficiency, common variable, 7. Identifiers: Orphanet 1572, Orphanet 696894, MedGen C3542922, MONDO:0013862, OMIM 614699.

Allele frequency attached by ClinVar (database versions not stated): gnomAD exomes below 0.00001 and 0.00001; TOPMed 0.00002; gnomAD 0.00001.
gnomAD v4.1: 4 of 1,613,444 alleles (0.00025%); highest among the groups gnomAD compares: African/African-American, 0.0053%; no homozygotes.

Submission:

Labcorp Genetics (formerly Invitae), Labcorp
Classification: Uncertain significance for Immunodeficiency, common variable, 7. Last evaluated: 2022-02-05. Review status: criteria provided, single submitter. Criteria: Invitae Variant Classification Sherloc (09022015). Collection method: clinical testing. Allele origin: germline.
Comment: ClinVar contains an entry for this variant (Variation ID: 859939). In summary, the available evidence is currently insufficient to determine the role of this variant in disease. Therefore, it has been classified as a Variant of Uncertain Significance. Algorithms developed to predict the effect of missense changes on protein structure and function output the following: SIFT: "Tolerated"; PolyPhen-2: "Benign"; Align-GVGD: "Class C0". The glutamic acid amino acid residue is found in multiple mammalian species, which suggests that this missense change does not adversely affect protein function. This variant has not been reported in the literature in individuals affected with CR2-related conditions. This variant is present in population databases (no rsID available, gnomAD 0.01%). This sequence change replaces glycine, which is neutral and non-polar, with glutamic acid, which is acidic and polar, at codon 909 of the CR2 protein (p.Gly909Glu).

NM_001006658.3(CR2):c.2726G>A (p.Gly909Glu)

Gene: CR2 (complement C3d receptor 2; plus strand). Cytogenetic location: 1q32.2.
Variant type: single nucleotide variant.
Coding change: c.2726G>A on transcript NM_001006658.3 (MANE Select); coding-DNA position 2726, G replaced by A.
Protein change: p.Gly909Glu; replaces glycine 909 with glutamic acid.
Molecular consequence: missense variant.
Genome position (GRCh38, 1-based): chr1:207,476,243, G>A. VCF-style: chr1-207476243-G-A. GRCh37 (hg19) VCF-style: chr1-207649588-G-A.
Other names: c.2549G>A, p.Gly850Glu (NM_001877.5); short protein forms G909E, G850E.
Identifiers: ClinVar variation 859939 (VCV000859939.7), dbSNP rs963944104, ClinGen allele CA36653337.